The following is an entry in ClinVar:

NM_001953.5(TYMP):c.909G>A (p.Arg303=)

Genes: TYMP (thymidine phosphorylase; minus strand), LOC130067862 (ATAC-STARR-seq lymphoblastoid silent region 13986; plus strand). Cytogenetic location: 22q13.33.
Variant type: single nucleotide variant.
Coding change: c.909G>A on transcript NM_001953.5 (MANE Select); coding-DNA position 909, G replaced by A.
Protein change: p.Arg303=; no amino-acid change (arginine 303 retained).
Molecular consequence: synonymous variant.
Genome position (GRCh38, 1-based): chr22:50,526,595, C>T on the plus strand (G>A on the coding strand, the complement: TYMP is on the minus strand). VCF-style: chr22-50526595-C-T. GRCh37 (hg19) VCF-style: chr22-50965024-C-T.
Other names: c.909G>A, p.Arg303= (NM_001113755.3, NM_001113756.3, NM_001257988.1 and 1 more transcripts).
Identifiers: ClinVar variation 1535161 (VCV001535161.9), dbSNP rs1333345258, ClinGen allele CA515387737.

ClinVar aggregate classification (germline): Likely benign. Review status: criteria provided, multiple submitters, no conflicts (2 of 4 stars). 2 submissions from 2 submitters: Likely benign (2). Last evaluated 2026-07-01.

Allele frequency attached by ClinVar (database versions not stated): gnomAD exomes below 0.00001; TOPMed below 0.00001; gnomAD 0.00001.
gnomAD v4.1: 4 of 1,580,050 alleles (0.00025%); highest among the groups gnomAD compares: African/African-American, 0.004%; no homozygotes.

Submissions (2):

CeGaT Center for Human Genetics Tuebingen
Classification: Likely benign. Last evaluated: 2026-07-01. Review status: criteria provided, single submitter. Criteria: CeGaT Center For Human Genetics Tuebingen Variant Classification Criteria Version 2. Collection method: clinical testing. Allele origin: germline. Affected: yes. Observed: 1 variant allele.
Comment: TYMP: BP4, BP7

Labcorp Genetics (formerly Invitae), Labcorp
Classification: Likely benign. Last evaluated: 2025-06-23. Review status: criteria provided, single submitter. Criteria: Invitae Variant Classification Sherloc (09022015). Collection method: clinical testing. Allele origin: germline.